The following is an entry in ClinVar:

ClinVar aggregate classification (germline): Uncertain significance (1 of 4 stars; one submission).

Conditions:
Autosomal dominant epilepsy with auditory features. Identifiers: Orphanet 101046, MedGen C1838062, MONDO:0010898.

Submission:

Labcorp Genetics (formerly Invitae), Labcorp
Classification: Uncertain significance for Autosomal dominant epilepsy with auditory features. Last evaluated: 2022-11-23. Review status: criteria provided, single submitter. Criteria: Invitae Variant Classification Sherloc (09022015). Collection method: clinical testing. Allele origin: germline.
Comment: This variant is not present in population databases (gnomAD no frequency). In summary, the available evidence is currently insufficient to determine the role of this variant in disease. Therefore, it has been classified as a Variant of Uncertain Significance. Advanced modeling of protein sequence and biophysical properties (such as structural, functional, and spatial information, amino acid conservation, physicochemical variation, residue mobility, and thermodynamic stability) performed at Invitae indicates that this missense variant is not expected to disrupt LGI1 protein function. This variant has not been reported in the literature in individuals affected with LGI1-related conditions. This sequence change replaces proline, which is neutral and non-polar, with alanine, which is neutral and non-polar, at codon 66 of the LGI1 protein (p.Pro66Ala).

NM_005097.4(LGI1):c.196C>G (p.Pro66Ala)

Gene: LGI1 (leucine rich glioma inactivated 1; plus strand). Cytogenetic location: 10q23.33.
Variant type: single nucleotide variant.
Coding change: c.196C>G on transcript NM_005097.4 (MANE Select); coding-DNA position 196, C replaced by G.
Protein change: p.Pro66Ala; replaces proline 66 with alanine.
Molecular consequence: missense variant. On other transcripts: non-coding transcript variant (1).
Genome position (GRCh38, 1-based): chr10:93,758,340, C>G. VCF-style: chr10-93758340-C-G. GRCh37 (hg19) VCF-style: chr10-95518097-C-G.
Other names: c.196C>G, p.Pro66Ala (NM_001308275.2, NM_001308276.2); short protein forms P66A.
Identifiers: ClinVar variation 2815627 (VCV002815627.3), dbSNP rs2492801925, ClinGen allele CA377631658.
Genomic context (GRCh38, chr10:93,758,340, plus strand): 5'-TGTACTTGTACCAAAGATAATGCTTTATGTGAGAATGCCAGATCCATTCCACGCACCGTT[C>G]CTCCTGATGTTATCTCATTGTAAGGCCCGTAAGCATTTTGATATCTAATTTACGATTTAA-3'
Protein context (NP_005088.1, residues 56-76): ENARSIPRTV[Pro66Ala]PDVISLSFVR